The following is an entry in ClinVar:

ClinVar aggregate classification (germline): Benign/Likely benign. Review status: criteria provided, multiple submitters, no conflicts (2 of 4 stars). 4 submissions from 4 submitters: Benign (2); Likely benign (2). Last evaluated 2026-01-26.

Conditions:
Brown-Vialetto-van Laere syndrome 2. Also called: Riboflavin transporter deficiency type 2; SPINOCEREBELLAR ATAXIA WITH BLINDNESS AND DEAFNESS 2. Identifiers: Orphanet 572543, Orphanet 97229, MedGen C3553538, MONDO:0013867, OMIM 614707.

Allele frequency attached by ClinVar (database versions not stated): gnomAD exomes 0.00086 and 0.00036; ExAC 0.00101; gnomAD 0.00288 and 0.00306; TOPMed 0.00357; 1000 Genomes Project 30x 0.00484; 1000 Genomes Project 0.00519; ESP Exome Variant Server 0.00338.

Submissions (4):

Labcorp Genetics (formerly Invitae), Labcorp
Classification: Benign for Brown-Vialetto-van Laere syndrome 2. Last evaluated: 2026-01-26. Review status: criteria provided, single submitter. Criteria: Invitae Variant Classification Sherloc (09022015). Collection method: clinical testing. Allele origin: germline.

Blueprint Genetics
Classification: Likely benign. Last evaluated: 2024-11-01. Review status: criteria provided, single submitter. Criteria: ACMG Guidelines, 2015. Collection method: clinical testing. Allele origin: germline.

CeGaT Center for Human Genetics Tuebingen
Classification: Likely benign. Last evaluated: 2023-07-01. Review status: criteria provided, single submitter. Criteria: CeGaT Center For Human Genetics Tuebingen Variant Classification Criteria Version 2. Collection method: clinical testing. Allele origin: germline. Affected: yes. Observed: 3 variant alleles.
Comment: SLC52A2: BP4, BS2

GeneDx
Classification: Benign. Last evaluated: 2019-02-11. Review status: criteria provided, single submitter. Criteria: GeneDx Variant Classification Process June 2021. Collection method: clinical testing. Allele origin: germline. Affected: yes.

NM_001363118.2(SLC52A2):c.1001+6C>T

Gene: SLC52A2 (solute carrier family 52 member 2; plus strand). Cytogenetic location: 8q24.3.
Variant type: single nucleotide variant.
Coding change: c.1001+6C>T on transcript NM_001363118.2 (MANE Select); 6 bases into the intron after coding-DNA position 1001, C replaced by T.
Molecular consequence: intron variant.
Genome position (GRCh38, 1-based): chr8:144,360,499, C>T. VCF-style: chr8-144360499-C-T. GRCh37 (hg19) VCF-style: chr8-145584159-C-T.
Other names: c.1001+6C>T (NM_001253816.2, NM_001363121.2, NM_001363120.2 and 2 more transcripts); c.509+6C>T (NM_001363122.2).
Identifiers: ClinVar variation 540439 (VCV000540439.55), dbSNP rs139398461, ClinGen allele CA4938328.